The following is an entry in ClinVar:

ClinVar aggregate classification (germline): Conflicting classifications of pathogenicity. Review status: criteria provided, conflicting classifications (1 of 4 stars). 4 submissions from 4 submitters: Uncertain significance (3); Likely benign (1). Last evaluated 2025-10-22.

Conditions:
Hereditary cancer-predisposing syndrome. Also called: Neoplastic Syndromes, Hereditary; Tumor predisposition; Hereditary neoplastic syndrome; Hereditary Cancer Syndrome. Identifiers: Orphanet 140162, MedGen C0027672, MeSH D009386, MONDO:0015356.
BAP1-related tumor predisposition syndrome (TPDS1). Also called: Tumor susceptibility linked to germline BAP1 mutations; BAP1 tumor predisposition syndrome; TUMOR PREDISPOSITION SYNDROME 1; COMMON Syndrome. Identifiers: Orphanet 289539, MedGen C3280492, MONDO:0013692, OMIM 614327.

Allele frequency attached by ClinVar (database versions not stated): ExAC 0.00001; gnomAD exomes 0.00001.

Submissions (4):

Labcorp Genetics (formerly Invitae), Labcorp
Classification: Uncertain significance for BAP1-related tumor predisposition syndrome. Last evaluated: 2025-10-22. Review status: criteria provided, single submitter. Criteria: Invitae Variant Classification Sherloc (09022015). Collection method: clinical testing. Allele origin: germline.
Comment: This sequence change replaces proline, which is neutral and non-polar, with threonine, which is neutral and polar, at codon 222 of the BAP1 protein (p.Pro222Thr). This variant is present in population databases (rs780457225, gnomAD 0.002%). This missense change has been observed in individual(s) with cutaneous melanoma (PMID: 25787093). ClinVar contains an entry for this variant (Variation ID: 629907). Invitae Evidence Modeling of protein sequence and biophysical properties (such as structural, functional, and spatial information, amino acid conservation, physicochemical variation, residue mobility, and thermodynamic stability) indicates that this missense variant is expected to disrupt BAP1 protein function with a positive predictive value of 80%. In summary, the available evidence is currently insufficient to determine the role of this variant in disease. Therefore, it has been classified as a Variant of Uncertain Significance.

Myriad Genetics, Inc.
Classification: Likely benign for BAP1-related tumor predisposition syndrome. Last evaluated: 2024-07-15. Review status: criteria provided, single submitter. Criteria: Myriad Autosomal Dominant, Autosomal Recessive and X-Linked Classification Criteria (2023). Collection method: clinical testing. Allele origin: unknown.
Comment: This variant is considered likely benign. This variant has been observed at a population frequency that is significantly greater than expected given the associated disease prevalence and penetrance.

Ambry Genetics
Classification: Uncertain significance for Hereditary cancer-predisposing syndrome. Last evaluated: 2024-05-21. Review status: criteria provided, single submitter. Criteria: Ambry Variant Classification Scheme 2023. Collection method: clinical testing. Allele origin: germline.
Comment: The p.P222T variant (also known as c.664C>A), located in coding exon 9 of the BAP1 gene, results from a C to A substitution at nucleotide position 664. The proline at codon 222 is replaced by threonine, an amino acid with highly similar properties. This alteration has been reported in an Australian melanoma family (Aoude LG et al. Twin Res Hum Genet, 2015 Apr;18:126-33). This amino acid position is highly conserved in available vertebrate species. In addition, the in silico prediction for this alteration is inconclusive. Based on the available evidence, the clinical significance of this variant remains unclear.

Color Diagnostics, LLC DBA Color Health
Classification: Uncertain significance for Hereditary cancer-predisposing syndrome. Last evaluated: 2020-08-05. Review status: criteria provided, single submitter. Criteria: ACMG Guidelines, 2015. Collection method: clinical testing. Allele origin: germline.
Comment: This missense variant replaces proline with threonine at codon 222 of the BAP1 protein. Computational prediction is inconclusive regarding the impact of this variant on protein structure and function (internally defined REVEL score threshold 0.5 < inconclusive < 0.7, PMID: 27666373). To our knowledge, functional studies have not been reported for this variant. This variant has been reported in an individual affected with melanoma (PMID: 25787093). This variant has been identified in 2/249956 chromosomes in the general population by the Genome Aggregation Database (gnomAD). The available evidence is insufficient to determine the role of this variant in disease conclusively. Therefore, this variant is classified as a Variant of Uncertain Significance.

Literature cited by the submitters: PubMed 25787093 (cited by Labcorp Genetics (formerly Invitae), Labcorp and Ambry Genetics).

NM_004656.4(BAP1):c.664C>A (p.Pro222Thr)

Gene: BAP1 (BRCA1 associated deubiquitinase 1; minus strand). Cytogenetic location: 3p21.1.
Variant type: single nucleotide variant.
Coding change: c.664C>A on transcript NM_004656.4 (MANE Select); coding-DNA position 664, C replaced by A.
Protein change: p.Pro222Thr; replaces proline 222 with threonine.
Molecular consequence: missense variant.
Genome position (GRCh38, 1-based): chr3:52,406,372, G>T on the plus strand (C>A on the coding strand, the complement: BAP1 is on the minus strand). VCF-style: chr3-52406372-G-T. GRCh37 (hg19) VCF-style: chr3-52440388-G-T.
Other names: short protein forms P222T.
Identifiers: ClinVar variation 629907 (VCV000629907.15), dbSNP rs780457225, ClinGen allele CA2437020.
Genomic context (GRCh38, chr3:52,406,372, plus strand): 5'-CATACTTGATCCTGCGGTCGGGCACCACTGCCATCAGGTTGAAGCGGATGTCGTGGTAGG[G>T]CTCCCTGCAGTCACAGCCGCAGCCGTGAGAGCAGCTCCCGCCCCGGCCCCGCCATCAGGT-3'
Protein context (NP_004647.1, residues 212-232): ERIGLATAGE[Pro222Thr]YHDIRFNLMA